The following is an entry in ClinVar:

NM_175875.5(SIX5):c.1979C>A (p.Ala660Glu)

Gene: SIX5 (SIX homeobox 5; minus strand). Cytogenetic location: 19q13.32.
Variant type: single nucleotide variant.
Coding change: c.1979C>A on transcript NM_175875.5 (MANE Select); coding-DNA position 1979, C replaced by A.
Protein change: p.Ala660Glu; replaces alanine 660 with glutamic acid.
Molecular consequence: missense variant.
Genome position (GRCh38, 1-based): chr19:45,765,742, G>T on the plus strand (C>A on the coding strand, the complement: SIX5 is on the minus strand). VCF-style: chr19-45765742-G-T. GRCh37 (hg19) VCF-style: chr19-46269000-G-T.
Other names: short protein forms A660E.
Identifiers: ClinVar variation 1702683 (VCV001702683.7), dbSNP rs376176843, ClinGen allele CA9520449.

ClinVar aggregate classification (germline): Benign/Likely benign. Review status: criteria provided, multiple submitters, no conflicts (2 of 4 stars). 4 submissions from 4 submitters: Benign (1); Likely benign (3). Last evaluated 2026-01-29.

Conditions:
SIX5-related disorder. Also called: SIX5-related condition.

Allele frequency attached by ClinVar (database versions not stated): 1000 Genomes Project 30x 0.00109; 1000 Genomes Project 0.00120.
gnomAD v4.1: 469 of 1,611,792 alleles (0.029%); highest among the groups gnomAD compares: South Asian, 0.48%; 4 homozygotes.

Submissions (4):

Labcorp Genetics (formerly Invitae), Labcorp
Classification: Likely benign. Last evaluated: 2026-01-29. Review status: criteria provided, single submitter. Criteria: Invitae Variant Classification Sherloc (09022015). Collection method: clinical testing. Allele origin: germline.

PreventionGenetics, part of Exact Sciences
Classification: Benign for SIX5-related condition. Last evaluated: 2025-11-10. Review status: criteria provided, single submitter. Criteria: ACMG Guidelines, 2015. Collection method: clinical testing. Allele origin: germline.
Comment: This variant is classified as benign based on ACMG/AMP sequence variant interpretation guidelines (Richards et al. 2015 PMID: 25741868, with internal and published modifications).

Blueprint Genetics
Classification: Likely benign. Last evaluated: 2024-11-11. Review status: criteria provided, single submitter. Criteria: ACMG Guidelines, 2015. Collection method: clinical testing. Allele origin: germline.

GeneDx
Classification: Likely benign. Last evaluated: 2021-03-17. Review status: criteria provided, single submitter. Criteria: GeneDx Variant Classification Process June 2021. Collection method: clinical testing. Allele origin: germline. Affected: yes.
Comment: See Variant Classification Assertion Criteria.